The following is an entry in ClinVar:

ClinVar aggregate classification (germline): Pathogenic. Review status: criteria provided, multiple submitters, no conflicts (2 of 4 stars). 3 submissions from 3 submitters: Pathogenic (2). 1 of the submissions does not count toward it. Last evaluated 2022-05-19.

Conditions:
DOCK8-related disorder. Also called: DOCK8-related condition.
Combined immunodeficiency due to DOCK8 deficiency (HIES2). Also called: HYPER-IgE SYNDROME 2, AUTOSOMAL RECESSIVE, WITH RECURRENT INFECTIONS; DOCK8 Deficiency; HIES autosomal recessive; Hyper-IgE recurrent infection syndrome, autosomal recessive; HYPER-IgE RECURRENT INFECTION SYNDROME 2, AUTOSOMAL RECESSIVE. Identifiers: Orphanet 217390, MedGen C4722305, MONDO:0009478, OMIM 243700.

Allele frequency attached by ClinVar (database versions not stated): gnomAD exomes below 0.00001.
gnomAD v4.1: 2 of 1,614,220 alleles (0.00012%); highest among the groups gnomAD compares: Middle Eastern, 0.016%; no homozygotes.

Submissions (3):

GeneDx
Classification: Pathogenic. Last evaluated: 2022-05-19. Review status: criteria provided, single submitter. Criteria: GeneDx Variant Classification Process June 2021. Collection method: clinical testing. Allele origin: germline. Affected: yes.
Comment: Nonsense variant predicted to result in protein truncation or nonsense mediated decay in a gene for which loss-of-function is a known mechanism of disease; Not observed in large population cohorts (gnomAD); This variant is associated with the following publications: (PMID: 21058221, 25525159, 22968740, 28070732, 32888943)

Genomics Facility, Ludwig-Maximilians-Universität München
Classification: Pathogenic for Combined immunodeficiency due to DOCK8 deficiency. Last evaluated: 2021-12-28. Review status: criteria provided, single submitter. Criteria: ACMG Guidelines, 2015. Collection method: clinical testing. Allele origin: unknown. Inheritance: Autosomal recessive inheritance. Affected: yes.

PreventionGenetics, part of Exact Sciences
Classification: Pathogenic for DOCK8-related condition. Last evaluated: 2024-05-04. Review status: no assertion criteria provided. Collection method: clinical testing. Allele origin: germline. Not counted in ClinVar's aggregate classification.
Comment: The DOCK8 c.5132C>A variant is predicted to result in premature protein termination (p.Ser1711*). This variant has been reported in individuals with autosomal recessive hyper-IgE syndrome (see, for example, Bittner et al. 2010. PubMed ID: 21058221; El Hawary et al. 2022. PubMed ID: 35482138, supplementary data). This variant has not been reported in a large population database, indicating this variant is rare. Nonsense variants in DOCK8 are expected to be pathogenic. This variant is interpreted as pathogenic.

Literature cited by the submitters: PubMed 28070732 (cited by Genomics Facility, Ludwig-Maximilians-Universität München).

NM_203447.4(DOCK8):c.5132C>A (p.Ser1711Ter)

Gene: DOCK8 (dedicator of cytokinesis 8; plus strand). Cytogenetic location: 9p24.3.
Variant type: single nucleotide variant.
Coding change: c.5132C>A on transcript NM_203447.4 (MANE Select); coding-DNA position 5132, C replaced by A.
Protein change: p.Ser1711Ter; replaces serine 1711 with a stop codon.
Molecular consequence: nonsense.
Genome position (GRCh38, 1-based): chr9:439,297, C>A. VCF-style: chr9-439297-C-A. GRCh37 (hg19) VCF-style: chr9-439297-C-A.
Other names: c.4832C>A, p.Ser1611Ter (NM_001190458.2); c.4928C>A, p.Ser1643Ter (NM_001193536.2); short protein forms S1711*, S1611*, S1643*.
Identifiers: ClinVar variation 523787 (VCV000523787.8), dbSNP rs1554707993, ClinGen allele CA372767725.